The following is an entry in ClinVar:

ClinVar aggregate classification (germline): Uncertain significance (1 of 4 stars; one submission).

Allele frequency attached by ClinVar (database versions not stated): gnomAD exomes below 0.00001 and 0.00001; gnomAD 0.00001; TOPMed 0.00001.
gnomAD v4.1: 15 of 1,613,820 alleles (0.00093%); highest among the groups gnomAD compares: Non-Finnish European, 0.0013%; no homozygotes.

Submission:

Labcorp Genetics (formerly Invitae), Labcorp
Classification: Uncertain significance. Last evaluated: 2021-12-01. Review status: criteria provided, single submitter. Criteria: Invitae Variant Classification Sherloc (09022015). Collection method: clinical testing. Allele origin: germline.
Comment: This sequence change replaces valine, which is neutral and non-polar, with alanine, which is neutral and non-polar, at codon 538 of the LARP7 protein (p.Val538Ala). This variant is present in population databases (no rsID available, gnomAD 0.004%). This variant has not been reported in the literature in individuals affected with LARP7-related conditions. Algorithms developed to predict the effect of missense changes on protein structure and function are either unavailable or do not agree on the potential impact of this missense change (SIFT: "Tolerated"; PolyPhen-2: "Probably Damaging"; Align-GVGD: "Class C0"). In summary, the available evidence is currently insufficient to determine the role of this variant in disease. Therefore, it has been classified as a Variant of Uncertain Significance.

NM_016648.4(LARP7):c.1613T>C (p.Val538Ala)

Gene: LARP7 (La ribonucleoprotein 7, transcriptional regulator; plus strand). Cytogenetic location: 4q25.
Variant type: single nucleotide variant.
Coding change: c.1613T>C on transcript NM_016648.4 (MANE Select); coding-DNA position 1613, T replaced by C.
Protein change: p.Val538Ala; replaces valine 538 with alanine.
Molecular consequence: missense variant.
Genome position (GRCh38, 1-based): chr4:112,654,104, T>C. VCF-style: chr4-112654104-T-C. GRCh37 (hg19) VCF-style: chr4-113575260-T-C.
Other names: c.1613T>C, p.Val538Ala (NM_001267039.4, NM_001370978.1, NM_015454.3); c.1652T>C, p.Val551Ala (NM_001370974.1, NM_001370975.1); c.1649T>C, p.Val550Ala (NM_001370976.1, NM_001370977.1); c.1610T>C, p.Val537Ala (NM_001370979.1, NM_001370980.1); c.1376T>C, p.Val459Ala (NM_001370981.1, NM_001370982.1); short protein forms V459A, V537A, V538A, V551A, V550A.
Identifiers: ClinVar variation 1436936 (VCV001436936.3), dbSNP rs1247378702, ClinGen allele CA357932400.